The following is an entry in ClinVar:

NM_005144.5(HR):c.1252G>A (p.Glu418Lys)

Gene: HR (HR lysine demethylase and nuclear receptor corepressor; minus strand). Cytogenetic location: 8p21.3.
Variant type: single nucleotide variant.
Coding change: c.1252G>A on transcript NM_005144.5 (MANE Select); coding-DNA position 1252, G replaced by A.
Protein change: p.Glu418Lys; replaces glutamic acid 418 with lysine.
Molecular consequence: missense variant.
Genome position (GRCh38, 1-based): chr8:22,127,190, C>T on the plus strand (G>A on the coding strand, the complement: HR is on the minus strand). VCF-style: chr8-22127190-C-T. GRCh37 (hg19) VCF-style: chr8-21984703-C-T.
Other names: c.1252G>A, p.Glu418Lys (NM_018411.4); short protein forms E418K.
Identifiers: ClinVar variation 4976150 (VCV004976150.1).

ClinVar aggregate classification (germline): Uncertain significance (1 of 4 stars; one submission).

Submission:

GeneDx
Classification: Uncertain significance. Last evaluated: 2026-02-03. Review status: criteria provided, single submitter. Criteria: GeneDx Variant Classification Process June 2021. Collection method: clinical testing. Allele origin: germline.
Comment: In silico analysis suggests that this missense variant does not alter protein structure/function; Has not been previously published as pathogenic or benign to our knowledge